The following is an entry in ClinVar:

ClinVar aggregate classification (germline): Uncertain significance (1 of 4 stars; one submission).

Allele frequency attached by ClinVar (database versions not stated): gnomAD 0.00001 and 0.00002; TOPMed 0.00002; gnomAD exomes 0.00003.
gnomAD v4.1: 40 of 1,588,830 alleles (0.0025%); highest among the groups gnomAD compares: East Asian, 0.058%; no homozygotes.

Submission:

Labcorp Genetics (formerly Invitae), Labcorp
Classification: Uncertain significance. Last evaluated: 2021-09-01. Review status: criteria provided, single submitter. Criteria: Invitae Variant Classification Sherloc (09022015). Collection method: clinical testing. Allele origin: germline.
Comment: This sequence change replaces isoleucine with valine at codon 248 of the TONSL protein (p.Ile248Val). The isoleucine residue is moderately conserved and there is a small physicochemical difference between isoleucine and valine. This variant is not present in population databases (ExAC no frequency). This variant has not been reported in the literature in individuals affected with TONSL-related conditions. Algorithms developed to predict the effect of missense changes on protein structure and function output the following: SIFT: "Tolerated"; PolyPhen-2: "Benign"; Align-GVGD: "Class C0". The valine amino acid residue is found in multiple mammalian species, which suggests that this missense change does not adversely affect protein function. In summary, the available evidence is currently insufficient to determine the role of this variant in disease. Therefore, it has been classified as a Variant of Uncertain Significance.

NM_013432.5(TONSL):c.742A>G (p.Ile248Val)

Gene: TONSL (tonsoku like, DNA repair protein; minus strand). Cytogenetic location: 8q24.3.
Variant type: single nucleotide variant.
Coding change: c.742A>G on transcript NM_013432.5 (MANE Select); coding-DNA position 742, A replaced by G.
Protein change: p.Ile248Val; replaces isoleucine 248 with valine.
Molecular consequence: missense variant.
Genome position (GRCh38, 1-based): chr8:144,442,249, T>C on the plus strand (A>G on the coding strand, the complement: TONSL is on the minus strand). VCF-style: chr8-144442249-T-C. GRCh37 (hg19) VCF-style: chr8-145667632-T-C.
Other names: short protein forms I248V.
Identifiers: ClinVar variation 1468956 (VCV001468956.5), dbSNP rs1274639639, ClinGen allele CA372676301.
Genomic context (GRCh38, chr8:144,442,249, plus strand): 5'-CCAAGGCCCGAATCTACGAGAGCCTGAGCTCGGAGCCACGCACAGCGGGTACCTGTGCAA[T>C]AACCACGCAGCACTCGCTCTCCATGAACCGCTTCCTCATGGTGTGCGCACACTCCCGGGC-3'
Protein context (NP_038460.4, residues 238-258): RFMESECCVV[Ile248Val]AQVLQDLGDF